The following is an entry in ClinVar:

ClinVar aggregate classification (germline): Uncertain significance (1 of 4 stars; one submission).

Submission:

Labcorp Genetics (formerly Invitae), Labcorp
Classification: Uncertain significance. Last evaluated: 2024-04-08. Review status: criteria provided, single submitter. Criteria: Invitae Variant Classification Sherloc (09022015). Collection method: clinical testing. Allele origin: germline.
Comment: This sequence change replaces arginine, which is basic and polar, with leucine, which is neutral and non-polar, at codon 150 of the KPNA7 protein (p.Arg150Leu). This variant is not present in population databases (gnomAD no frequency). This variant has not been reported in the literature in individuals affected with KPNA7-related conditions. Advanced modeling of protein sequence and biophysical properties (such as structural, functional, and spatial information, amino acid conservation, physicochemical variation, residue mobility, and thermodynamic stability) performed at Invitae indicates that this missense variant is not expected to disrupt KPNA7 protein function with a negative predictive value of 80%. In summary, the available evidence is currently insufficient to determine the role of this variant in disease. Therefore, it has been classified as a Variant of Uncertain Significance.

NM_001145715.3(KPNA7):c.449G>T (p.Arg150Leu)

Gene: KPNA7 (karyopherin subunit alpha 7; minus strand). Cytogenetic location: 7q22.1.
Variant type: single nucleotide variant.
Coding change: c.449G>T on transcript NM_001145715.3 (MANE Select); coding-DNA position 449, G replaced by T.
Protein change: p.Arg150Leu; replaces arginine 150 with leucine.
Molecular consequence: missense variant.
Genome position (GRCh38, 1-based): chr7:99,195,174, C>A on the plus strand (G>T on the coding strand, the complement: KPNA7 is on the minus strand). VCF-style: chr7-99195174-C-A. GRCh37 (hg19) VCF-style: chr7-98792797-C-A.
Other names: short protein forms R150L.
Identifiers: ClinVar variation 3691046 (VCV003691046.2).
Genomic context (GRCh38, chr7:99,195,174, plus strand): 5'-ACGTTGGAGGAAGACAGGAGCTCAATCAAGGGCTGGATGGCTCCCCCTTCTACCACGGCA[C>A]GAGTCTGCTCCGAAGTCCCTGAAGCGATGTTGGTCAGGGCCCAGGCAGCCTCAAACTGCA-3'
Protein context (NP_001139187.1, residues 140-160): NIASGTSEQT[Arg150Leu]AVVEGGAIQP